The following is an entry in ClinVar:

ClinVar aggregate classification (germline): Uncertain significance. Review status: criteria provided, multiple submitters, no conflicts (2 of 4 stars). 2 submissions from 2 submitters: Uncertain significance (2). Last evaluated 2022-08-09.

Conditions:
Progressive myoclonic epilepsy type 3. Also called: KCTD7-Related Progressive Myoclonic Epilepsy; EPILEPSY, PROGRESSIVE MYOCLONIC, 3, WITH OR WITHOUT INTRACELLULAR INCLUSIONS; CEROID LIPOFUSCINOSIS, NEURONAL, 14; EPILEPSY, PROGRESSIVE MYOCLONIC, 3, WITHOUT INTRACELLULAR INCLUSIONS. Identifiers: Orphanet 263516, MedGen C2673257, MONDO:0012721, OMIM 611726.

Allele frequency attached by ClinVar (database versions not stated): gnomAD exomes below 0.00001 and 0.00002; ExAC 0.00001; gnomAD 0.00001; TOPMed 0.00002.
gnomAD v4.1: 28 of 1,614,138 alleles (0.0017%); highest among the groups gnomAD compares: Non-Finnish European, 0.0023%; no homozygotes.

Submissions (2):

Labcorp Genetics (formerly Invitae), Labcorp
Classification: Uncertain significance for Progressive myoclonic epilepsy type 3. Last evaluated: 2022-08-09. Review status: criteria provided, single submitter. Criteria: Invitae Variant Classification Sherloc (09022015). Collection method: clinical testing. Allele origin: germline.
Comment: This sequence change replaces lysine, which is basic and polar, with asparagine, which is neutral and polar, at codon 148 of the KCTD7 protein (p.Lys148Asn). The frequency data for this variant in the population databases is considered unreliable, as metrics indicate poor data quality at this position in the gnomAD database. This variant has not been reported in the literature in individuals affected with KCTD7-related conditions. ClinVar contains an entry for this variant (Variation ID: 206009). Algorithms developed to predict the effect of missense changes on protein structure and function (SIFT, PolyPhen-2, Align-GVGD) all suggest that this variant is likely to be tolerated. In summary, the available evidence is currently insufficient to determine the role of this variant in disease. Therefore, it has been classified as a Variant of Uncertain Significance.

GeneDx
Classification: Uncertain significance. Last evaluated: 2021-05-03. Review status: criteria provided, single submitter. Criteria: GeneDx Variant Classification Process June 2021. Collection method: clinical testing. Allele origin: germline. Affected: yes.
Comment: Not observed at a significant frequency in large population cohorts (Lek et al., 2016); In silico analysis supports that this missense variant has a deleterious effect on protein structure/function; Has not been previously published as pathogenic or benign to our knowledge

NM_153033.5(KCTD7):c.444G>T (p.Lys148Asn)

Gene: KCTD7 (potassium channel tetramerization domain containing 7; plus strand). Cytogenetic location: 7q11.21.
Variant type: single nucleotide variant.
Coding change: c.444G>T on transcript NM_153033.5 (MANE Select); coding-DNA position 444, G replaced by T.
Protein change: p.Lys148Asn; replaces lysine 148 with asparagine.
Molecular consequence: missense variant.
Genome position (GRCh38, 1-based): chr7:66,638,382, G>T. VCF-style: chr7-66638382-G-T. GRCh37 (hg19) VCF-style: chr7-66103369-G-T.
Other names: p.K148N:AAG>AAT; c.444G>T, p.Lys148Asn (NM_001167961.2); short protein forms K148N.
Identifiers: ClinVar variation 206009 (VCV000206009.9), dbSNP rs746540809, ClinGen allele CA315681.